The following is an entry in ClinVar:

ClinVar aggregate classification (germline): Conflicting classifications of pathogenicity. Review status: criteria provided, conflicting classifications (1 of 4 stars). 5 submissions from 5 submitters: Uncertain significance (3); Likely benign (2). Last evaluated 2025-12-20.

Conditions:
Cardiac arrhythmia, ankyrin-B-related. Also called: ANKYRIN-B SYNDROME. Identifiers: Orphanet 101016, Orphanet 768, MedGen C1970119, MONDO:0010958, OMIM 600919.
Cardiovascular phenotype. Identifiers: MedGen CN230736.
Long QT syndrome (LQTS). Identifiers: MedGen C0023976, MeSH D008133, MONDO:0002442. Disease mechanism: loss of function. Inheritance: Various modes of inheritance.

Allele frequency attached by ClinVar (database versions not stated): gnomAD 0.00001; TOPMed 0.00003; gnomAD exomes below 0.00001.
gnomAD v4.1: 9 of 1,613,896 alleles (0.00056%); highest among the groups gnomAD compares: African/African-American, 0.0027%; no homozygotes.

Submissions (5):

Labcorp Genetics (formerly Invitae), Labcorp
Classification: Uncertain significance for Long QT syndrome. Last evaluated: 2025-12-20. Review status: criteria provided, single submitter. Criteria: Invitae Variant Classification Sherloc (09022015). Collection method: clinical testing. Allele origin: germline.
Comment: This sequence change replaces arginine, which is basic and polar, with glutamine, which is neutral and polar, at codon 2292 of the ANK2 protein (p.Arg2292Gln). This variant is present in population databases (no rsID available, gnomAD 0.0009%). This missense change has been observed in individual(s) with clinical features of long-QT syndrome (PMID: 31737537). ClinVar contains an entry for this variant (Variation ID: 560700). An algorithm developed to predict the effect of missense changes on protein structure and function outputs the following: PolyPhen-2: "Benign". The glutamine amino acid residue is found in multiple mammalian species, which suggests that this missense change does not adversely affect protein function. In summary, the available evidence is currently insufficient to determine the role of this variant in disease. Therefore, it has been classified as a Variant of Uncertain Significance.

Blueprint Genetics
Classification: Likely benign. Last evaluated: 2024-10-14. Review status: criteria provided, single submitter. Criteria: ACMG Guidelines, 2015. Collection method: clinical testing. Allele origin: germline.

Ambry Genetics
Classification: Likely benign for Cardiovascular phenotype. Last evaluated: 2020-06-25. Review status: criteria provided, single submitter. Criteria: Ambry Variant Classification Scheme 2023. Collection method: clinical testing. Allele origin: germline.

CeGaT Center for Human Genetics Tuebingen
Classification: Uncertain significance. Last evaluated: 2019-03-01. Review status: criteria provided, single submitter. Criteria: CeGaT Center For Human Genetics Tuebingen Variant Classification Criteria Version 2. Collection method: clinical testing. Allele origin: germline. Affected: yes. Observed: 1 variant allele.

MVZ Martinsried, Medicover Genetics
Classification: Uncertain significance for Cardiac arrhythmia, ankyrin-B-related. Last evaluated: 2018-03-22. Review status: criteria provided, single submitter. Criteria: ACMG Guidelines, 2015. Collection method: clinical testing. Allele origin: unknown. Affected: yes.

Literature cited by the submitters: PubMed 31737537 (cited by Labcorp Genetics (formerly Invitae), Labcorp).

NM_001148.6(ANK2):c.6875G>A (p.Arg2292Gln)

Genes: ANK2 (ankyrin 2; plus strand), LOC126807137 (CDK7 strongly-dependent group 2 enhancer GRCh37_chr4:114276560-114277759; plus strand). Cytogenetic location: 4q26.
Variant type: single nucleotide variant.
Coding change: c.6875G>A on transcript NM_001148.6 (MANE Select); coding-DNA position 6875, G replaced by A.
Protein change: p.Arg2292Gln; replaces arginine 2292 with glutamine.
Molecular consequence: missense variant. On other transcripts: intron variant (68).
Genome position (GRCh38, 1-based): chr4:113,355,493, G>A. VCF-style: chr4-113355493-G-A. GRCh37 (hg19) VCF-style: chr4-114276649-G-A.
Other names: c.6641G>A, p.Arg2214Gln (NM_001386142.1); c.3275G>A, p.Arg1092Gln (NM_001386166.1); c.7016G>A, p.Arg2339Gln (NM_001386174.1); c.6992G>A, p.Arg2331Gln (NM_001386175.1); c.4411+5244G>A (NM_001386186.2, NM_001386148.2); c.4213+5244G>A (NM_001354269.3); c.4291+5244G>A (NM_001386187.2); c.4252+5244G>A (NM_001386147.1); and 35 more; short protein forms R2292Q, R1092Q, R2214Q, R2331Q, R2339Q.
Identifiers: ClinVar variation 560700 (VCV000560700.51), dbSNP rs1350377647, ClinGen allele CA357928513.
Genomic context (GRCh38, chr4:113,355,493, plus strand): 5'-AAATTCGTTCAGAAAAAGAGCATCCCACGACCAAAGACATTACTGGTGGCTCTGAAGAGC[G>A]AGGTGCCACAGTCACTGAGGACTCAGAGACCTCTACTGAGAGTTTTCAGAAAGAGGCCAC-3'
Protein context (NP_001139.3, residues 2282-2302): TKDITGGSEE[Arg2292Gln]GATVTEDSET